The following continues an entry in ClinVar:

NM_000535.7(PMS2):c.53T>C (p.Ile18Thr)

Gene: PMS2. ClinVar aggregate classification (germline): Conflicting classifications of pathogenicity. Uncertain significance (10); Benign (2); Likely benign (7).

Submissions 16 to 22 of 22:

Baylor Genetics
Classification: Uncertain significance for Lynch syndrome 4. Last evaluated: 2018-03-22. Review status: criteria provided, single submitter. Criteria: ACMG Guidelines, 2015. Collection method: clinical testing. Allele origin: paternal. Affected: yes.
Comment: This variant was determined to be of uncertain significance according to ACMG Guidelines, 2015 [PMID:25741868].

Fulgent Genetics
Classification: Uncertain significance for Mismatch repair cancer syndrome 1; Lynch syndrome 4. Last evaluated: 2017-05-23. Review status: criteria provided, single submitter. Criteria: ACMG Guidelines, 2015. Collection method: clinical testing. Allele origin: unknown.

GeneDx
Classification: Uncertain significance. Last evaluated: 2017-03-02. Review status: criteria provided, single submitter. Criteria: GeneDx Variant Classification (06012015). Collection method: clinical testing. Allele origin: germline. Affected: yes.
Comment: This variant is denoted PMS2 c.53T>C at the cDNA level, p.Ile18Thr (I18T) at the protein level, and results in the change of an Isoleucine to a Threonine (ATT>ACT). This variant was observed in at least one individual undergoing genetic testing for Lynch syndrome with a tumor that exhibited isolated loss of PMS2 by immunohistochemistry (Vaughn 2010). This variant was also reported in a patient with endometrial cancer, another with renal cancer, one with breast cancer who also carried a pathogenic variant in BRCA2 and in 2/572 individuals with atherosclerosis, with no specific information about cancer history (Johnston 2012, Lu 2015, Tung 2016). PMS2 Ile18Thr was not observed in approximately 3,600 individuals of European and African American ancestry in the NHLBI Exome Sequencing Project, suggesting it is not a common benign variant in these populations. Since Isoleucine and Threonine differ in polarity, charge, size or other properties, this is considered a non-conservative amino acid substitution. PMS2 Ile18Thr occurs at a position that is conserved across species and is located in the ATPase domain (Guarne 2001, Fukui 2011). In silico analyses predict that this variant is probably damaging to protein structure and function. Based on currently available evidence, it is unclear whether PMS2 Ile18Thr is a pathogenic or benign variant. We consider it to be a variant of uncertain significance.

Genomic Diagnostic Laboratory, Division of Genomic Diagnostics, Children's Hospital of Philadelphia
Classification: Uncertain significance for Lynch syndrome. Last evaluated: 2015-07-30. Review status: criteria provided, single submitter. Criteria: DGD Variant Analysis Guidelines. Collection method: clinical testing. Allele origin: unknown.

PreventionGenetics, part of Exact Sciences
Classification: Likely benign for PMS2-related condition. Last evaluated: 2019-12-19. Review status: no assertion criteria provided. Collection method: clinical testing. Allele origin: germline. Not counted in ClinVar's aggregate classification.
Comment: This variant is classified as likely benign based on ACMG/AMP sequence variant interpretation guidelines (Richards et al. 2015 PMID: 25741868, with internal and published modifications).

Biesecker Lab/Clinical Genomics Section, National Institutes of Health
Classification: Uncertain significance. Last evaluated: 2012-07-13. Review status: no assertion criteria provided. Collection method: research. Allele origin: germline. Affected: no. Observed: 2 variant alleles. Study: ClinSeq. Not counted in ClinVar's aggregate classification.
ClinVar note: Converted during submission from variant of unknown significance to Uncertain significance.

Department of Pathology and Laboratory Medicine, Sinai Health System
Classification: Likely benign. Review status: no assertion criteria provided. Collection method: clinical testing. Allele origin: unknown. Affected: yes. Observed: 3 variant alleles. Study: The Canadian Open Genetics Repository (COGR). Not counted in ClinVar's aggregate classification.
Comment: The PMS2 p.Ile18Thr variant was identified in 6 of 2462 proband chromosomes (frequency: 0.002) from individuals or families with breast cancer, hemophilia A, and atherosclerosis (Gorski 2016, Tung 20016, Vaughn 2010, Johnston 2012). The variant was also identified in dbSNP (ID: rs201343342 as â€šÃ„Ãºwith uncertain significance alleleâ€šÃ„Ã¹), and ClinVar (6x as uncertain significance by GeneDx, Children's Hospital of Philadelphia, Color Genomics, Quest Diagnostics, Fulgent Genetics and NIH; 1x as likely benign by Ambry Genetics; and 1x as benign by Invitae) and the Insight Hereditary Tumors Database (1x as effect unknown). The variant was not identified in the COGR, Cosmic, MutDB, Zhejiang Colon Cancer, or the Mismatch Repair Genes Variant database. The variant was identified in control databases in 88 of 271252 chromosomes at a frequency of 0.0003, increasing the likelihood this could be a low frequency benign variant (Genome Aggregation Database Feb 27, 2017). The variant was identified in the following populations: Other in 1 of 6380 chromosomes (freq: 0.0002), European Non-Finnish in 13 of 122684 chromosomes (freq: 0.0001), and Ashkenazi Jewish in 74 of 9990 chromosomes (freq: 0.007); it was not observed in the African, Latino, East Asian, European Finnish, or South Asian populations. The p.Ile18Thr residue is conserved across mammals and other organisms, and 5 of 5 computational analyses (PolyPhen-2, SIFT, AlignGVGD, BLOSUM, MutationTaster) suggest that the variant may impact the protein; however, this information is not predictive enough to assume pathogenicity. The variant occurs outside of the splicing consensus sequence and 5 of 5 in silico or computational prediction software programs (SpliceSiteFinder, MaxEntScan, NNSPLICE, GeneSplicer, HumanSpliceFinder) do not predict a difference in splicing. The variant was identified in this laboratory with a co-occurring, pathogenic MSH6 variant (c.3840_3846del, p.Glu1281Leufs*44), increasing the likelihood that the p.Ile18Thr variant does not have clinical significance. In summary, based on the above information the clinical significance of this variant cannot be determined with certainty at this time although we would lean towards a more benign role for this variant. This variant is classified as likely benign.

Literature cited by the submitters: PubMed 20205264 (cited by 4 submitters); PubMed 25186627 (cited by Women's Health and Genetics/Laboratory Corporation of America, LabCorp and Quest Diagnostics Nichols Institute San Juan Capistrano); PubMed 26689913 (cited by Women's Health and Genetics/Laboratory Corporation of America, LabCorp and Quest Diagnostics Nichols Institute San Juan Capistrano); PubMed 26976419 (cited by 3 submitters); PubMed 28135145 (cited by Women's Health and Genetics/Laboratory Corporation of America, LabCorp and Quest Diagnostics Nichols Institute San Juan Capistrano); PubMed 27060170 (cited by Women's Health and Genetics/Laboratory Corporation of America, LabCorp and Quest Diagnostics Nichols Institute San Juan Capistrano); PubMed 30447919 (cited by Women's Health and Genetics/Laboratory Corporation of America, LabCorp and Quest Diagnostics Nichols Institute San Juan Capistrano); PubMed 33471991 (cited by Women's Health and Genetics/Laboratory Corporation of America, LabCorp and Quest Diagnostics Nichols Institute San Juan Capistrano); PubMed 34284872 (cited by Women's Health and Genetics/Laboratory Corporation of America, LabCorp and Quest Diagnostics Nichols Institute San Juan Capistrano); PubMed 30608896 (cited by 3 submitters); PubMed 35264596 (cited by Women's Health and Genetics/Laboratory Corporation of America, LabCorp and Quest Diagnostics Nichols Institute San Juan Capistrano).